The following is an entry in ClinVar:

NM_000081.4(LYST):c.8877_8878delinsAG (p.Arg2960Gly)

Gene: LYST (lysosomal trafficking regulator; minus strand). Cytogenetic location: 1q42.3.
Variant type: Indel.
Coding change: c.8877_8878delinsAG on transcript NM_000081.4 (MANE Select); coding-DNA positions 8877 to 8878, GA replaced by AG.
Protein change: p.Arg2960Gly; replaces arginine 2960 with glycine.
Molecular consequence: missense variant.
Genome position (GRCh38, 1-based): chr1:235,731,101-235,731,102, TC replaced by CT on the plus strand (GA replaced by AG on the coding strand, the reverse complement: LYST is on the minus strand). VCF-style: chr1-235731101-TC-CT. GRCh37 (hg19) VCF-style: chr1-235894401-TC-CT.
Other names: c.8877_8878delinsAG, p.Arg2960Gly (NM_001301365.1); short protein forms R2960G.
Identifiers: ClinVar variation 1484451 (VCV001484451.6), dbSNP rs2527531236, ClinGen allele CA2573132797.
Genomic context (GRCh38, chr1:235,731,101, plus strand): 5'-TCTGTCTATCCCTAAGGAGATACTTATTTGGAATAGTTAAATAACATCTCTGTAAACGTC[TC>CT]CTCTCTCGATTTGGCCCTTCTGTTGGATCCAACTGCCATGAGGTTGGATAGTAGATGGGG-3'
Protein context (NP_000072.2, residues 2950-2970): DPTEGPNRER[Arg2960Gly]RLQRCYLTIP

ClinVar aggregate classification (germline): Uncertain significance (1 of 4 stars; one submission).

Conditions:
Chédiak-Higashi syndrome (CHS). Also called: Chediak-Higashi Syndrome. Identifiers: Orphanet 167, MedGen C0007965, MONDO:0008963, OMIM 214500.

Submission:

Labcorp Genetics (formerly Invitae), Labcorp
Classification: Uncertain significance for Chédiak-Higashi syndrome. Last evaluated: 2022-06-27. Review status: criteria provided, single submitter. Criteria: Invitae Variant Classification Sherloc (09022015). Collection method: clinical testing. Allele origin: germline.
Comment: In summary, the available evidence is currently insufficient to determine the role of this variant in disease. Therefore, it has been classified as a Variant of Uncertain Significance. This sequence change replaces arginine with glycine at codon 2960 of the LYST protein (p.Arg2960Gly). The arginine residue is moderately conserved and there is a moderate physicochemical difference between arginine and glycine. Information on the frequency of this variant in the gnomAD database is not available, as this variant may be reported differently in the database. This variant has not been reported in the literature in individuals affected with LYST-related conditions. Experimental studies and prediction algorithms are not available or were not evaluated, and the functional significance of this variant is currently unknown.